The following is an entry in ClinVar:

ClinVar aggregate classification (germline): Likely benign (1 of 4 stars; one submission).

Conditions:
T-B+ severe combined immunodeficiency due to JAK3 deficiency. Also called: SCID, autosomal recessive, T-negative/B-positive type; SCID, T CELL-NEGATIVE, B CELL-POSITIVE, NK CELL-NEGATIVE. Identifiers: Orphanet 35078, MedGen C1833275, MONDO:0010938, OMIM 600802.

Allele frequency attached by ClinVar (database versions not stated): gnomAD 0.00288 and 0.00304; 1000 Genomes Project 0.00260; 1000 Genomes Project 30x 0.00250; TOPMed 0.00325.

Submission:

Illumina Laboratory Services, Illumina
Classification: Likely benign for T-B+ severe combined immunodeficiency due to JAK3 deficiency. Last evaluated: 2018-01-13. Review status: criteria provided, single submitter. Criteria: ICSL Variant Classification Criteria 13 December 2019. Collection method: clinical testing. Allele origin: germline.
Comment: This variant was observed in the ICSL laboratory as part of a predisposition screen in an ostensibly healthy population. It had not been previously curated by ICSL or reported in the Human Gene Mutation Database (HGMD: prior to June 1st, 2018), and was therefore a candidate for classification through an automated scoring system. Utilizing variant allele frequency, disease prevalence and penetrance estimates, and inheritance mode, an automated score was calculated to assess if this variant is too frequent to cause the disease. Based on the score and internal cut-off values, a variant classified as likely benign is not then subjected to further curation. The score for this variant resulted in a classification of likely benign for this disease.

NM_000215.4(JAK3):c.*937G>A

Gene: JAK3 (Janus kinase 3; minus strand). Cytogenetic location: 19p13.11.
Variant type: single nucleotide variant.
Coding change: c.*937G>A on transcript NM_000215.4 (MANE Select); 937 bases downstream of the stop codon, G replaced by A.
Molecular consequence: 3 prime UTR variant.
Genome position (GRCh38, 1-based): chr19:17,825,806, C>T on the plus strand (G>A on the coding strand, the complement: JAK3 is on the minus strand). VCF-style: chr19-17825806-C-T. GRCh37 (hg19) VCF-style: chr19-17936615-C-T.
Identifiers: ClinVar variation 328480 (VCV000328480.5), dbSNP rs3212803, ClinGen allele CA10642419.
Genomic context (GRCh38, chr19:17,825,806, plus strand): 5'-AAAAAATTAGCCGGGTGTGGTGGCGGGCGCCTGTAGTCCCAGCTACTTGGGAGGCTGAGG[C>T]GAGAGAATGGTGTGAACCCAGGAGGCGGAGCTTGCAGTGAGCCTAGATTGCGCCACTGTA-3'